The following is an entry in ClinVar:

NM_001605.3(AARS1):c.1065G>T (p.Gln355His)

Gene: AARS1 (alanyl-tRNA synthetase 1; minus strand). Cytogenetic location: 16q22.1.
Variant type: single nucleotide variant.
Coding change: c.1065G>T on transcript NM_001605.3 (MANE Select); coding-DNA position 1065, G replaced by T.
Protein change: p.Gln355His; replaces glutamine 355 with histidine.
Molecular consequence: missense variant.
Genome position (GRCh38, 1-based): chr16:70,268,277, C>A on the plus strand (G>T on the coding strand, the complement: AARS1 is on the minus strand). VCF-style: chr16-70268277-C-A. GRCh37 (hg19) VCF-style: chr16-70302180-C-A.
Other names: short protein forms Q355H.
Identifiers: ClinVar variation 845814 (VCV000845814.9), dbSNP rs1960314004, ClinGen allele CA396564064.

ClinVar aggregate classification (germline): Uncertain significance (1 of 4 stars; one submission).

Conditions:
Charcot-Marie-Tooth disease type 2. Also called: Charcot-Marie-Tooth type 2. Identifiers: Orphanet 64746, MedGen C0270914, MONDO:0018993.

Allele frequency attached by ClinVar (database versions not stated): gnomAD exomes below 0.00001.
gnomAD v4.1: 4 of 1,613,992 alleles (0.00025%); highest among the groups gnomAD compares: Non-Finnish European, 0.00034%; no homozygotes.

Submission:

Labcorp Genetics (formerly Invitae), Labcorp
Classification: Uncertain significance for Charcot-Marie-Tooth disease type 2. Last evaluated: 2023-07-16. Review status: criteria provided, single submitter. Criteria: Invitae Variant Classification Sherloc (09022015). Collection method: clinical testing. Allele origin: germline.
Comment: Advanced modeling of protein sequence and biophysical properties (such as structural, functional, and spatial information, amino acid conservation, physicochemical variation, residue mobility, and thermodynamic stability) performed at Invitae indicates that this missense variant is not expected to disrupt AARS protein function. ClinVar contains an entry for this variant (Variation ID: 845814). This variant has not been reported in the literature in individuals affected with AARS-related conditions. This variant is not present in population databases (gnomAD no frequency). This sequence change replaces glutamine, which is neutral and polar, with histidine, which is basic and polar, at codon 355 of the AARS protein (p.Gln355His). In summary, the available evidence is currently insufficient to determine the role of this variant in disease. Therefore, it has been classified as a Variant of Uncertain Significance.